The following is an entry in ClinVar:

NM_005591.4(MRE11):c.1403A>T (p.Asp468Val)

Gene: MRE11 (MRE11 double strand break repair nuclease; minus strand). Cytogenetic location: 11q21.
Variant type: single nucleotide variant.
Coding change: c.1403A>T on transcript NM_005591.4 (MANE Select); coding-DNA position 1403, A replaced by T.
Protein change: p.Asp468Val; replaces aspartic acid 468 with valine.
Molecular consequence: missense variant.
Genome position (GRCh38, 1-based): chr11:94,459,505, T>A on the plus strand (A>T on the coding strand, the complement: MRE11 is on the minus strand). VCF-style: chr11-94459505-T-A. GRCh37 (hg19) VCF-style: chr11-94192671-T-A.
Other names: c.1403A>T, p.Asp468Val (NM_001330347.2, NM_005590.4); short protein forms D468V.
Identifiers: ClinVar variation 232129 (VCV000232129.14), dbSNP rs1805367, ClinGen allele CA10579375.

ClinVar aggregate classification (germline): Uncertain significance. Review status: criteria provided, multiple submitters, no conflicts (2 of 4 stars). 3 submissions from 3 submitters: Uncertain significance (3). Last evaluated 2025-12-18.

Conditions:
Ataxia-telangiectasia-like disorder (ATLD). Identifiers: MedGen C1858391, MONDO:0011457.
Hereditary cancer-predisposing syndrome. Also called: Tumor predisposition; Hereditary neoplastic syndrome; Hereditary Cancer Syndrome; Neoplastic Syndromes, Hereditary. Identifiers: Orphanet 140162, MedGen C0027672, MeSH D009386, MONDO:0015356.

Allele frequency attached by ClinVar (database versions not stated): gnomAD exomes 0.00001; gnomAD 0.00001; TOPMed 0.00001.
gnomAD v4.1: 9 of 1,613,984 alleles (0.00056%); highest among the groups gnomAD compares: Non-Finnish European, 0.00076%; no homozygotes.

Submissions (3):

Ambry Genetics
Classification: Uncertain significance for Hereditary cancer-predisposing syndrome. Last evaluated: 2025-12-18. Review status: criteria provided, single submitter. Criteria: Ambry Variant Classification Scheme 2023. Collection method: clinical testing. Allele origin: germline.
Comment: The p.D468V variant (also known as c.1403A>T), located in coding exon 12 of the MRE11A gene, results from an A to T substitution at nucleotide position 1403. The aspartic acid at codon 468 is replaced by valine, an amino acid with highly dissimilar properties. This amino acid position is well conserved in available vertebrate species. In addition, this alteration is predicted to be deleterious by in silico analysis. Since supporting evidence is limited at this time, the clinical significance of this alteration remains unclear.

Quest Diagnostics Nichols Institute San Juan Capistrano
Classification: Uncertain significance. Last evaluated: 2025-09-29. Review status: criteria provided, single submitter. Criteria: Quest Diagnostics criteria. Collection method: clinical testing. Allele origin: unknown.

Labcorp Genetics (formerly Invitae), Labcorp
Classification: Uncertain significance for Ataxia-telangiectasia-like disorder. Last evaluated: 2022-03-11. Review status: criteria provided, single submitter. Criteria: Invitae Variant Classification Sherloc (09022015). Collection method: clinical testing. Allele origin: germline.
Comment: This sequence change replaces aspartic acid, which is acidic and polar, with valine, which is neutral and non-polar, at codon 468 of the MRE11 protein (p.Asp468Val). This variant is not present in population databases (gnomAD no frequency). This variant has not been reported in the literature in individuals affected with MRE11-related conditions. ClinVar contains an entry for this variant (Variation ID: 232129). Algorithms developed to predict the effect of missense changes on protein structure and function are either unavailable or do not agree on the potential impact of this missense change (SIFT: "Deleterious"; PolyPhen-2: "Probably Damaging"; Align-GVGD: "Class C0"). In summary, the available evidence is currently insufficient to determine the role of this variant in disease. Therefore, it has been classified as a Variant of Uncertain Significance.